The following is an entry in ClinVar:

NM_006922.4(SCN3A):c.5200G>C (p.Gly1734Arg)

Gene: SCN3A (sodium voltage-gated channel alpha subunit 3; minus strand). Cytogenetic location: 2q24.3.
Variant type: single nucleotide variant.
Coding change: c.5200G>C on transcript NM_006922.4 (MANE Select); coding-DNA position 5200, G replaced by C.
Protein change: p.Gly1734Arg; replaces glycine 1734 with arginine.
Molecular consequence: missense variant.
Genome position (GRCh38, 1-based): chr2:165,090,953, C>G on the plus strand (G>C on the coding strand, the complement: SCN3A is on the minus strand). VCF-style: chr2-165090953-C-G. GRCh37 (hg19) VCF-style: chr2-165947463-C-G.
Other names: c.5053G>C, p.Gly1685Arg (NM_001081676.2, NM_001081677.2); short protein forms G1734R, G1685R.
Identifiers: ClinVar variation 586503 (VCV000586503.12), dbSNP rs577933870, ClinGen allele CA1938426.

ClinVar aggregate classification (germline): Uncertain significance. Review status: criteria provided, multiple submitters, no conflicts (2 of 4 stars). 4 submissions from 4 submitters: Uncertain significance (4). Last evaluated 2025-09-27.

Conditions:
Developmental and epileptic encephalopathy, 62. Also called: Early infantile epileptic encephalopathy 62. Identifiers: MedGen C4693699, MONDO:0033371, OMIM 617938.
Epilepsy, familial focal, with variable foci 4 (FFEVF4). Identifiers: MedGen C4693694, MONDO:0054776, OMIM 617935.
Inborn genetic diseases. Identifiers: MedGen C0950123, MeSH D030342.

Allele frequency attached by ClinVar (database versions not stated): gnomAD exomes below 0.00001 and 0.00001; ExAC 0.00001; gnomAD 0.00005 and 0.00006; 1000 Genomes Project 30x 0.00016; TOPMed 0.00017; 1000 Genomes Project 0.00020.
gnomAD v4.1: 19 of 1,614,020 alleles (0.0012%); highest among the groups gnomAD compares: Admixed American, 0.018%; no homozygotes.

Submissions (4):

Labcorp Genetics (formerly Invitae), Labcorp
Classification: Uncertain significance. Last evaluated: 2025-09-27. Review status: criteria provided, single submitter. Criteria: Invitae Variant Classification Sherloc (09022015). Collection method: clinical testing. Allele origin: germline.
Comment: This sequence change replaces glycine, which is neutral and non-polar, with arginine, which is basic and polar, at codon 1734 of the SCN3A protein (p.Gly1734Arg). The frequency data for this variant in the population databases is considered unreliable, as metrics indicate poor data quality at this position in the gnomAD database. This missense change has been observed in individual(s) with clinical features of SCN3A-related conditions (internal data). ClinVar contains an entry for this variant (Variation ID: 586503). Invitae Evidence Modeling of protein sequence and biophysical properties (such as structural, functional, and spatial information, amino acid conservation, physicochemical variation, residue mobility, and thermodynamic stability) indicates that this missense variant is not expected to disrupt SCN3A protein function with a negative predictive value of 95%. In summary, the available evidence is currently insufficient to determine the role of this variant in disease. Therefore, it has been classified as a Variant of Uncertain Significance.

Ambry Genetics
Classification: Uncertain significance for Inborn genetic diseases. Last evaluated: 2024-01-30. Review status: criteria provided, single submitter. Criteria: Ambry Variant Classification Scheme 2023. Collection method: clinical testing. Allele origin: germline.

Fulgent Genetics
Classification: Uncertain significance for Epilepsy, familial focal, with variable foci 4; Developmental and epileptic encephalopathy, 62. Last evaluated: 2021-08-26. Review status: criteria provided, single submitter. Criteria: ACMG Guidelines, 2015. Collection method: clinical testing. Allele origin: unknown.

Athena Diagnostics
Classification: Uncertain significance. Last evaluated: 2019-10-08. Review status: criteria provided, single submitter. Criteria: Athena Diagnostics Criteria. Collection method: clinical testing. Allele origin: unknown.